The following is an entry in ClinVar:

ClinVar aggregate classification (germline): Pathogenic (1 of 4 stars; one submission).

Conditions:
Charcot-Marie-Tooth disease type 4. Also called: Charcot-Marie-Tooth, Type 4; Charcot-Marie-Tooth disease, type IV. Identifiers: Orphanet 64749, MedGen C4082197, MONDO:0018995.

Allele frequency attached by ClinVar (database versions not stated): gnomAD exomes 0.00001; ExAC 0.00002.

Submission:

Labcorp Genetics (formerly Invitae), Labcorp
Classification: Pathogenic for Charcot-Marie-Tooth disease type 4. Last evaluated: 2023-01-14. Review status: criteria provided, single submitter. Criteria: Invitae Variant Classification Sherloc (09022015). Collection method: clinical testing. Allele origin: germline.
Comment: For these reasons, this variant has been classified as Pathogenic. This variant has not been reported in the literature in individuals affected with SH3TC2-related conditions. This variant is present in population databases (rs758840181, gnomAD 0.02%). This sequence change creates a premature translational stop signal (p.Tyr680*) in the SH3TC2 gene. It is expected to result in an absent or disrupted protein product. Loss-of-function variants in SH3TC2 are known to be pathogenic (PMID: 20220177, 27068304).

Literature cited by the submitters: PubMed 20220177; PubMed 27068304.

NM_024577.4(SH3TC2):c.2039dup (p.Tyr680Ter)

Gene: SH3TC2 (SH3 domain and tetratricopeptide repeats 2; minus strand). Cytogenetic location: 5q32.
Variant type: Duplication.
Coding change: c.2039dup on transcript NM_024577.4 (MANE Select); coding-DNA position 2039, one base duplicated (A; older notation c.2039dupA).
Protein change: p.Tyr680Ter; replaces tyrosine 680 with a stop codon.
Molecular consequence: nonsense.
Genome position (GRCh38, 1-based): chr5:149,027,693, T duplicated on the plus strand (A on the coding strand, the reverse complement: SH3TC2 is on the minus strand). VCF-style (leftmost placement, unchanged base first): chr5-149027692-A-AT. GRCh37 (hg19) VCF-style: chr5-148407255-A-AT.
Other names: short protein forms Y680*.
Identifiers: ClinVar variation 2828619 (VCV002828619.3), dbSNP rs758840181, ClinGen allele CA3499071.